The following is an entry in ClinVar:

NM_206933.4(USH2A):c.2853C>A (p.Cys951Ter)

Genes: USH2A (usherin; minus strand), USH2A-AS1 (USH2A antisense RNA 1; plus strand). Cytogenetic location: 1q41.
Variant type: single nucleotide variant.
Coding change: c.2853C>A on transcript NM_206933.4 (MANE Select); coding-DNA position 2853, C replaced by A.
Protein change: p.Cys951Ter; replaces cysteine 951 with a stop codon.
Molecular consequence: nonsense.
Genome position (GRCh38, 1-based): chr1:216,232,093, G>T on the plus strand (C>A on the coding strand, the complement: USH2A is on the minus strand). VCF-style: chr1-216232093-G-T. GRCh37 (hg19) VCF-style: chr1-216405435-G-T.
Other names: c.2853C>A, p.Cys951Ter (NM_007123.6); short protein forms C951*.
Identifiers: ClinVar variation 958047 (VCV000958047.8), dbSNP rs755849157, ClinGen allele CA344863361.
Genomic context (GRCh38, chr1:216,232,093, plus strand): 5'-AACACACTGACCAGTCAGGCTATTACAGATGTGATTAACTGCACCAGTTGTATGGCATGA[G>T]CATGGCAGGCAGCCAGTGGCATTGCCTGGAGAAATATAAAAACCTAGAAATAAAGAAATT-3'

ClinVar aggregate classification (germline): Pathogenic. Review status: criteria provided, multiple submitters, no conflicts (2 of 4 stars). 2 submissions from 2 submitters: Pathogenic (2). Last evaluated 2025-12-03.

Conditions:
USH2A-related disorder. Also called: USH2A-related disorders; USH2A-related condition. Identifiers: MedGen CN239332.

Submissions (2):

Myriad Genetics, Inc.
Classification: Pathogenic for USH2A-related disorder. Last evaluated: 2025-12-03. Review status: criteria provided, single submitter. Criteria: Myriad Autosomal Dominant, Autosomal Recessive and X-Linked Classification Criteria (2023). Collection method: clinical testing. Allele origin: unknown.
Comment: NM_206933.2(USH2A):c.2853C>A(C951*) is expected to be pathogenic in the context of USH2A-related disorders. This variant is predicted to lead to an abnormal or absent protein product due to the creation of a premature termination codon in USH2A, a gene where loss-of-function variants are known to be pathogenic. Please note: this variant was assessed in the context of healthy population screening.

Labcorp Genetics (formerly Invitae), Labcorp
Classification: Pathogenic. Last evaluated: 2021-09-02. Review status: criteria provided, single submitter. Criteria: Invitae Variant Classification Sherloc (09022015). Collection method: clinical testing. Allele origin: germline.
Comment: Loss-of-function variants in USH2A are known to be pathogenic (PMID: 10729113, 10909849, 20507924, 25649381). This variant has not been reported in the literature in individuals with USH2A-related conditions. This variant is not present in population databases (ExAC no frequency). This sequence change creates a premature translational stop signal (p.Cys951*) in the USH2A gene. It is expected to result in an absent or disrupted protein product. For these reasons, this variant has been classified as Pathogenic.

Literature cited by the submitters: PubMed 10729113 (cited by Labcorp Genetics (formerly Invitae), Labcorp); PubMed 10909849 (cited by Labcorp Genetics (formerly Invitae), Labcorp); PubMed 20507924 (cited by Labcorp Genetics (formerly Invitae), Labcorp); PubMed 25649381 (cited by Labcorp Genetics (formerly Invitae), Labcorp).